The following is an entry in ClinVar:

NM_001253697.2(ERBIN):c.3338C>T (p.Ala1113Val)

Gene: ERBIN (erbb2 interacting protein; plus strand). Cytogenetic location: 5q12.3.
Variant type: single nucleotide variant.
Coding change: c.3338C>T on transcript NM_001253697.2 (MANE Select); coding-DNA position 3338, C replaced by T.
Protein change: p.Ala1113Val; replaces alanine 1113 with valine.
Molecular consequence: missense variant.
Genome position (GRCh38, 1-based): chr5:66,054,656, C>T. VCF-style: chr5-66054656-C-T. GRCh37 (hg19) VCF-style: chr5-65350484-C-T.
Other names: c.3338C>T, p.Ala1113Val (NM_001006600.3, NM_001253698.2, NM_001253699.2 and 1 more transcripts); c.3326C>T, p.Ala1109Val (NM_001253701.2); short protein forms A1113V, A1109V.
Identifiers: ClinVar variation 1921546 (VCV001921546.5), dbSNP rs544655772, ClinGen allele CA119868712.

ClinVar aggregate classification (germline): Uncertain significance (1 of 4 stars; one submission).

Allele frequency attached by ClinVar (database versions not stated): TOPMed below 0.00001; gnomAD 0.00001; gnomAD exomes 0.00001.
gnomAD v4.1: 12 of 1,614,008 alleles (0.00074%); highest among the groups gnomAD compares: Admixed American, 0.0033%; no homozygotes.

Submission:

Labcorp Genetics (formerly Invitae), Labcorp
Classification: Uncertain significance. Last evaluated: 2025-11-03. Review status: criteria provided, single submitter. Criteria: Invitae Variant Classification Sherloc (09022015). Collection method: clinical testing. Allele origin: germline.
Comment: This sequence change replaces alanine, which is neutral and non-polar, with valine, which is neutral and non-polar, at codon 1113 of the ERBIN protein (p.Ala1113Val). This variant is present in population databases (rs544655772, gnomAD 0.003%). This variant has not been reported in the literature in individuals affected with ERBIN-related conditions. ClinVar contains an entry for this variant (Variation ID: 1921546). An algorithm developed to predict the effect of missense changes on protein structure and function outputs the following: PolyPhen-2: "Benign". The valine amino acid residue is found in multiple mammalian species, which suggests that this missense change does not adversely affect protein function. In summary, the available evidence is currently insufficient to determine the role of this variant in disease. Therefore, it has been classified as a Variant of Uncertain Significance.